The following is an entry in ClinVar:

NM_001276345.2(TNNT2):c.294+2T>A

Gene: TNNT2 (troponin T2, cardiac type; minus strand). Cytogenetic location: 1q32.1.
Variant type: single nucleotide variant.
Coding change: c.294+2T>A on transcript NM_001276345.2 (MANE Select); the canonical splice donor site of the intron after coding-DNA position 294, T replaced by A.
Molecular consequence: splice donor variant.
Genome position (GRCh38, 1-based): chr1:201,365,608, A>T on the plus strand (T>A on the coding strand, the complement: TNNT2 is on the minus strand). VCF-style: chr1-201365608-A-T. GRCh37 (hg19) VCF-style: chr1-201334736-A-T.
Other names: c.264+2T>A (NM_001406727.1, NM_001406724.1, NM_001001431.3 and 3 more transcripts); c.249+2T>A (NM_001001432.3, NM_001406728.1); c.261+2T>A (NM_001406725.1); c.291+2T>A (NM_001276346.2); c.294+2T>A (NM_000364.4, NM_001406723.1).
Identifiers: ClinVar variation 1002516 (VCV001002516.6), dbSNP rs1659512591, ClinGen allele CA344206631.

ClinVar aggregate classification (germline): Uncertain significance (1 of 4 stars; one submission).

Conditions:
Dilated cardiomyopathy 1D. Identifiers: Orphanet 154, Orphanet 54260, MedGen C1832243, MONDO:0011095, OMIM 601494.
Cardiomyopathy, familial restrictive, 3. Identifiers: Orphanet 75249, MedGen C2676271, MONDO:0012900, OMIM 612422.
Hypertrophic cardiomyopathy 2. Also called: TNNT2-Related Familial Hypertrophic Cardiomyopathy. Identifiers: MedGen C1861864, MONDO:0007266, OMIM 115195.

Submission:

Labcorp Genetics (formerly Invitae), Labcorp
Classification: Uncertain significance for Cardiomyopathy, familial restrictive, 3; Hypertrophic cardiomyopathy 2; Dilated cardiomyopathy 1D. Last evaluated: 2021-07-12. Review status: criteria provided, single submitter. Criteria: Invitae Variant Classification Sherloc (09022015). Collection method: clinical testing. Allele origin: germline.
Comment: This sequence change affects a donor splice site in intron 8 of the TNNT2 gene. It is expected to disrupt RNA splicing. Variants that disrupt the donor or acceptor splice site typically lead to a loss of protein function (PMID: 16199547), however the current clinical and genetic evidence is not sufficient to establish whether loss-of-function variants in TNNT2 cause disease. This variant is not present in population databases (ExAC no frequency). This variant has not been reported in the literature in individuals affected with TNNT2-related conditions. Algorithms developed to predict the effect of sequence changes on RNA splicing suggest that this variant may disrupt the consensus splice site. In summary, the available evidence is currently insufficient to determine the role of this variant in disease. Therefore, it has been classified as a Variant of Uncertain Significance.

Literature cited by the submitters: PubMed 16199547.